The following is an entry in ClinVar:

ClinVar aggregate classification (germline): Uncertain significance (1 of 4 stars; one submission).

gnomAD v4.1: 6 of 1,544,408 alleles (0.00039%); highest among the groups gnomAD compares: Admixed American, 0.0078%; no homozygotes.

Submission:

Labcorp Genetics (formerly Invitae), Labcorp
Classification: Uncertain significance. Last evaluated: 2022-10-13. Review status: criteria provided, single submitter. Criteria: Invitae Variant Classification Sherloc (09022015). Collection method: clinical testing. Allele origin: germline.
Comment: This sequence change replaces arginine, which is basic and polar, with glycine, which is neutral and non-polar, at codon 210 of the CDC45 protein (p.Arg210Gly). In summary, the available evidence is currently insufficient to determine the role of this variant in disease. Therefore, it has been classified as a Variant of Uncertain Significance. Algorithms developed to predict the effect of missense changes on protein structure and function output the following: SIFT: "Tolerated"; PolyPhen-2: "Benign"; Align-GVGD: "Class C0". The glycine amino acid residue is found in multiple mammalian species, which suggests that this missense change does not adversely affect protein function. ClinVar contains an entry for this variant (Variation ID: 1358145). This variant has not been reported in the literature in individuals affected with CDC45-related conditions. This variant is present in population databases (no rsID available, gnomAD 0.02%).

NM_003504.5(CDC45):c.542+210A>G

Gene: CDC45 (cell division cycle 45; plus strand). Cytogenetic location: 22q11.21.
Variant type: single nucleotide variant.
Coding change: c.542+210A>G on transcript NM_003504.5 (MANE Select); 210 bases into the intron after coding-DNA position 542, A replaced by G.
Molecular consequence: intron variant. On other transcripts: missense variant (1).
Genome position (GRCh38, 1-based): chr22:19,494,592, A>G. VCF-style: chr22-19494592-A-G. GRCh37 (hg19) VCF-style: chr22-19482115-A-G.
Other names: c.628A>G, p.Arg210Gly (NM_001178010.2); c.506+210A>G (NM_001369291.1); c.404+210A>G (NM_001178011.2); short protein forms R210G.
Identifiers: ClinVar variation 1358145 (VCV001358145.8), dbSNP rs969692772, ClinGen allele CA410664887.